The following is an entry in ClinVar:

NM_000521.4(HEXB):c.710A>G (p.His237Arg)

Gene: HEXB (hexosaminidase subunit beta; plus strand). Cytogenetic location: 5q13.3.
Variant type: single nucleotide variant.
Coding change: c.710A>G on transcript NM_000521.4 (MANE Select); coding-DNA position 710, A replaced by G.
Protein change: p.His237Arg; replaces histidine 237 with arginine.
Molecular consequence: missense variant.
Genome position (GRCh38, 1-based): chr5:74,705,259, A>G. VCF-style: chr5-74705259-A-G. GRCh37 (hg19) VCF-style: chr5-74001084-A-G.
Other names: c.35A>G, p.His12Arg (NM_001292004.2); short protein forms H12R, H237R.
Identifiers: ClinVar variation 2200210 (VCV002200210.1), dbSNP rs1258632902, ClinGen allele CA360065661.

ClinVar aggregate classification (germline): Uncertain significance (1 of 4 stars; one submission).

Conditions:
Sandhoff disease. Also called: Beta-hexosaminidase-beta-subunit deficiency; GM2 gangliosidosis, type 2; Total hexosaminidase deficiency; Sandhoff-Jatzkewitz-Pilz disease; GM2-GANGLIOSIDOSIS, TYPE II; HEXOSAMINIDASES A AND B DEFICIENCY. Identifiers: Orphanet 796, MedGen C0036161, MONDO:0010006, OMIM 268800.

Allele frequency attached by ClinVar (database versions not stated): gnomAD exomes below 0.00001; TOPMed 0.00001.
gnomAD v4.1: 2 of 1,612,600 alleles (0.00012%); highest among the groups gnomAD compares: Admixed American, 0.0033%; no homozygotes.

Submission:

Labcorp Genetics (formerly Invitae), Labcorp
Classification: Uncertain significance for Sandhoff disease. Last evaluated: 2022-05-15. Review status: criteria provided, single submitter. Criteria: Invitae Variant Classification Sherloc (09022015). Collection method: clinical testing. Allele origin: germline.
Comment: This sequence change replaces histidine, which is basic and polar, with arginine, which is basic and polar, at codon 237 of the HEXB protein (p.His237Arg). This variant is present in population databases (no rsID available, gnomAD 0.003%). This variant has not been reported in the literature in individuals affected with HEXB-related conditions. Advanced modeling of protein sequence and biophysical properties (such as structural, functional, and spatial information, amino acid conservation, physicochemical variation, residue mobility, and thermodynamic stability) performed at Invitae indicates that this missense variant is expected to disrupt HEXB protein function. In summary, the available evidence is currently insufficient to determine the role of this variant in disease. Therefore, it has been classified as a Variant of Uncertain Significance.